The following is an entry in ClinVar:

ClinVar aggregate classification (germline): Uncertain significance (1 of 4 stars; one submission).

Submission:

Labcorp Genetics (formerly Invitae), Labcorp
Classification: Uncertain significance. Last evaluated: 2025-06-04. Review status: criteria provided, single submitter. Criteria: Invitae Variant Classification Sherloc (09022015). Collection method: clinical testing. Allele origin: germline.
Comment: This sequence change replaces glutamine, which is neutral and polar, with histidine, which is basic and polar, at codon 647 of the DSCAML1 protein (p.Gln647His). This variant is not present in population databases (gnomAD no frequency). This variant has not been reported in the literature in individuals affected with DSCAML1-related conditions. An algorithm developed to predict the effect of missense changes on protein structure and function (PolyPhen-2) suggests that this variant is likely to be disruptive. In summary, the available evidence is currently insufficient to determine the role of this variant in disease. Therefore, it has been classified as a Variant of Uncertain Significance.

NM_020693.4(DSCAML1):c.1761G>C (p.Gln587His)

Gene: DSCAML1 (DS cell adhesion molecule like 1; minus strand). Cytogenetic location: 11q23.3.
Variant type: single nucleotide variant.
Coding change: c.1761G>C on transcript NM_020693.4 (MANE Select); coding-DNA position 1761, G replaced by C.
Protein change: p.Gln587His; replaces glutamine 587 with histidine.
Molecular consequence: missense variant.
Genome position (GRCh38, 1-based): chr11:117,516,489, C>G on the plus strand (G>C on the coding strand, the complement: DSCAML1 is on the minus strand). VCF-style: chr11-117516489-C-G. GRCh37 (hg19) VCF-style: chr11-117387204-C-G.
Other names: c.1761G>C, p.Gln587His (NM_001367904.1); short protein forms Q587H.
Identifiers: ClinVar variation 4769334 (VCV004769334.1).
Genomic context (GRCh38, chr11:117,516,489, plus strand): 5'-CAGGCGGGCAGGGGCCCTGGCTGGTGAGGGAGGCCTACCTTTGACGGCTACGTGAACGCT[C>G]TGGCTGATGGAGAGCTGGGGCTGGATGAGGACACTGCACAGGTACTCCCCCTCATCCATG-3'
Protein context (NP_065744.3, residues 577-597): VLIQPQLSIS[Gln587His]SVHVAVKVPP